The following is an entry in ClinVar:

NM_007129.5(ZIC2):c.1457G>A (p.Gly486Glu)

Gene: ZIC2 (Zic family zinc finger 2; plus strand). Cytogenetic location: 13q32.3.
Variant type: single nucleotide variant.
Coding change: c.1457G>A on transcript NM_007129.5 (MANE Select); coding-DNA position 1457, G replaced by A.
Protein change: p.Gly486Glu; replaces glycine 486 with glutamic acid.
Molecular consequence: missense variant.
Genome position (GRCh38, 1-based): chr13:99,985,540, G>A. VCF-style: chr13-99985540-G-A. GRCh37 (hg19) VCF-style: chr13-100637794-G-A.
Other names: c.1457G>A (NM_007129.3); short protein forms G486E.
Identifiers: ClinVar variation 2064265 (VCV002064265.5), dbSNP rs2053262336, ClinGen allele CA388639601.

ClinVar aggregate classification (germline): Uncertain significance. Review status: criteria provided, multiple submitters, no conflicts (2 of 4 stars). 2 submissions from 2 submitters: Uncertain significance (2). Last evaluated 2025-05-16.

Conditions:
Inborn genetic diseases. Identifiers: MedGen C0950123, MeSH D030342.
Holoprosencephaly 5 (HPE5). Identifiers: Orphanet 2162, MedGen C1864827, MONDO:0012322, OMIM 609637.

Allele frequency attached by ClinVar (database versions not stated): gnomAD exomes 0.00002.
gnomAD v4.1: 13 of 1,002,368 alleles (0.0013%); highest among the groups gnomAD compares: African/African-American, 0.0035%; no homozygotes.

Submissions (2):

Ambry Genetics
Classification: Uncertain significance for Inborn genetic diseases. Last evaluated: 2025-05-16. Review status: criteria provided, single submitter. Criteria: Ambry Variant Classification Scheme 2023. Collection method: clinical testing. Allele origin: germline.

Labcorp Genetics (formerly Invitae), Labcorp
Classification: Uncertain significance for Holoprosencephaly 5. Last evaluated: 2024-03-04. Review status: criteria provided, single submitter. Criteria: Invitae Variant Classification Sherloc (09022015). Collection method: clinical testing. Allele origin: germline.
Comment: This sequence change replaces glycine, which is neutral and non-polar, with glutamic acid, which is acidic and polar, at codon 486 of the ZIC2 protein (p.Gly486Glu). This variant is not present in population databases (gnomAD no frequency). This variant has not been reported in the literature in individuals affected with ZIC2-related conditions. ClinVar contains an entry for this variant (Variation ID: 2064265). Experimental studies and prediction algorithms are not available or were not evaluated, and the functional significance of this variant is currently unknown. In summary, the available evidence is currently insufficient to determine the role of this variant in disease. Therefore, it has been classified as a Variant of Uncertain Significance.